The following is an entry in ClinVar:

ClinVar aggregate classification (germline): Uncertain significance (1 of 4 stars; one submission).

Conditions:
HCK-related condition.

gnomAD v4.1: 8 of 1,614,064 alleles (0.0005%); highest among the groups gnomAD compares: Admixed American, 0.0017%; no homozygotes.

Submission:

PreventionGenetics, part of Exact Sciences
Classification: Uncertain significance for HCK-related condition. Last evaluated: 2026-09-14. Review status: criteria provided, single submitter. Criteria: ACMG Guidelines, 2015. Collection method: clinical testing. Allele origin: germline.
Comment: The HCK c.1423C>T variant is predicted to result in the amino acid substitution p.Arg475Trp. To our knowledge, this variant has not been reported in the literature. This variant is reported in 0.0029% of alleles in individuals of Latino descent in gnomAD. At this time, the clinical significance of this variant is uncertain due to the absence of conclusive functional and genetic evidence.

NM_002110.5(HCK):c.1423C>T (p.Arg475Trp)

Gene: HCK (HCK proto-oncogene, Src family tyrosine kinase; plus strand). Cytogenetic location: 20q11.21.
Variant type: single nucleotide variant.
Coding change: c.1423C>T on transcript NM_002110.5 (MANE Select); coding-DNA position 1423, C replaced by T.
Protein change: p.Arg475Trp; replaces arginine 475 with tryptophan.
Molecular consequence: missense variant.
Genome position (GRCh38, 1-based): chr20:32,101,361, C>T. VCF-style: chr20-32101361-C-T. GRCh37 (hg19) VCF-style: chr20-30689164-C-T.
Other names: c.1360C>T, p.Arg454Trp (NM_001172129.3, NM_001172133.3); c.1420C>T, p.Arg474Trp (NM_001172130.3); c.1357C>T, p.Arg453Trp (NM_001172131.3); c.1363C>T, p.Arg455Trp (NM_001172132.3); short protein forms R475W, R455W, R453W, R454W, R474W.
Identifiers: ClinVar variation 4992919 (VCV004992919.1).